The following is an entry in ClinVar:

NM_001042492.3(NF1):c.-280_-264del

Genes: MIR4733HG (MIR4733 host gene; minus strand), NF1 (neurofibromin 1; plus strand), LOC111811965 (NF1 (neurofibromin 1) promoter region; plus strand). Cytogenetic location: 17q11.2.
Variant type: Deletion.
Coding change: c.-280_-264del on transcript NM_001042492.3 (MANE Select); 280 bases upstream of the start codon through 264 bases upstream of the start codon, 17 bases deleted (CGGCGCTAGTGGGGAGA).
Molecular consequence: 5 prime UTR variant.
Genome position (GRCh38, 1-based): chr17:31,095,030-31,095,046, CGGCGCTAGTGGGGAGA deleted; deleting any 17 consecutive bases within chr17:31,095,021-31,095,046 gives the same sequence; the c. name uses the placement nearest the transcript's 3' end. VCF-style (leftmost placement, unchanged base first): chr17-31095020-TGTGGGGAGACGGCGCTA-T. GRCh37 (hg19) VCF-style: chr17-29422038-TGTGGGGAGACGGCGCTA-T.
Other names: c.-280_-264del17 (NM_000267.4); c.-280_-264del (NM_001128147.3).
Identifiers: ClinVar variation 1380660 (VCV001380660.9), dbSNP rs2143139168, ClinGen allele CA2573153204.
Genomic context (GRCh38, chr17:31,095,020, plus strand): 5'-GCCGTGGAAAGGATCCCACTTCCGGTGGGGTGTCATGGCGGCGTCTCGGACTGTGATGGC[TGTGGGGAGACGGCGCTA>T]GTGGGGAGAGCGACCAAGAGGCCCCCTCCCCTCCCCGGGTCCCCTTCCCCTATCCCCCTC-3'

ClinVar aggregate classification (germline): Uncertain significance (1 of 4 stars; one submission).

Conditions:
Neurofibromatosis, type 1 (NF1). Also called: VON RECKLINGHAUSEN DISEASE; NEUROFIBROMATOSIS, TYPE I, SOMATIC; Peripheral type neurofibromatosis; Neurofibromatosis, type I. Identifiers: Orphanet 636, MedGen C0027831, MONDO:0018975, OMIM 162200. Disease mechanism: loss of function.

Submission:

Labcorp Genetics (formerly Invitae), Labcorp
Classification: Uncertain significance for Neurofibromatosis, type 1. Last evaluated: 2023-11-28. Review status: criteria provided, single submitter. Criteria: Invitae Variant Classification Sherloc (09022015). Collection method: clinical testing. Allele origin: germline.
Comment: This variant occurs in a non-coding region of the NF1 gene. It does not change the encoded amino acid sequence of the NF1 protein. This variant is not present in population databases (gnomAD no frequency). This variant has been observed in individual(s) with clinical features of neurofibromatosis type 1 (Invitae). ClinVar contains an entry for this variant (Variation ID: 1380660). In summary, the available evidence is currently insufficient to determine the role of this variant in disease. Therefore, it has been classified as a Variant of Uncertain Significance.